The following is an entry in ClinVar:

ClinVar aggregate classification (germline): Uncertain significance (1 of 4 stars; one submission).

Conditions:
Aortic aneurysm, familial thoracic 8 (AAT8). Identifiers: MedGen C3809513, MONDO:0014187, OMIM 615436.

gnomAD v4.1: 2 of 1,612,352 alleles (0.00012%); highest among the groups gnomAD compares: Non-Finnish European, 0.00017%; no homozygotes.

Submission:

Labcorp Genetics (formerly Invitae), Labcorp
Classification: Uncertain significance for Aortic aneurysm, familial thoracic 8. Last evaluated: 2024-11-11. Review status: criteria provided, single submitter. Criteria: Invitae Variant Classification Sherloc (09022015). Collection method: clinical testing. Allele origin: germline.
Comment: This sequence change creates a premature translational stop signal (p.Arg388*) in the PRKG1 gene. It is expected to result in an absent or disrupted protein product. However, the current clinical and genetic evidence is not sufficient to establish whether loss-of-function variants in PRKG1 cause disease. This variant is not present in population databases (gnomAD no frequency). This variant has not been reported in the literature in individuals affected with PRKG1-related conditions. ClinVar contains an entry for this variant (Variation ID: 3001490). In summary, the available evidence is currently insufficient to determine the role of this variant in disease. Therefore, it has been classified as a Variant of Uncertain Significance.

NM_006258.4(PRKG1):c.1162C>T (p.Arg388Ter)

Gene: PRKG1 (protein kinase cGMP-dependent 1; plus strand). Cytogenetic location: 10q21.1.
Variant type: single nucleotide variant.
Coding change: c.1162C>T on transcript NM_006258.4 (MANE Select); coding-DNA position 1162, C replaced by T.
Protein change: p.Arg388Ter; replaces arginine 388 with a stop codon.
Molecular consequence: nonsense. On other transcripts: 5 prime UTR variant (1).
Genome position (GRCh38, 1-based): chr10:52,251,655, C>T. VCF-style: chr10-52251655-C-T. GRCh37 (hg19) VCF-style: chr10-54011415-C-T.
Other names: c.1117C>T, p.Arg373Ter (NM_001098512.3); c.-48C>T (NM_001374781.1); short protein forms R373*, R388*.
Identifiers: ClinVar variation 3001490 (VCV003001490.3), dbSNP rs757589439, ClinGen allele CA376534801.